The following is an entry in ClinVar:

NM_002016.2(FLG):c.6023A>G (p.His2008Arg)

Genes: CCDST (cervical cancer associated DHX9 suppressive transcript; plus strand), FLG (filaggrin; minus strand). Cytogenetic location: 1q21.3.
Variant type: single nucleotide variant.
Coding change: c.6023A>G on transcript NM_002016.2 (MANE Select); coding-DNA position 6023, A replaced by G.
Protein change: p.His2008Arg; replaces histidine 2008 with arginine.
Molecular consequence: missense variant.
Genome position (GRCh38, 1-based): chr1:152,308,863, T>C on the plus strand (A>G on the coding strand, the complement: FLG is on the minus strand). VCF-style: chr1-152308863-T-C. GRCh37 (hg19) VCF-style: chr1-152281339-T-C.
Other names: short protein forms H2008R.
Identifiers: ClinVar variation 3336365 (VCV003336365.1).

ClinVar aggregate classification (germline): Uncertain significance (1 of 4 stars; one submission).

Submission:

Women's Health and Genetics/Laboratory Corporation of America, LabCorp
Classification: Uncertain significance. Last evaluated: 2024-05-28. Review status: criteria provided, single submitter. Criteria: LabCorp Variant Classification Summary - May 2015. Collection method: clinical testing. Allele origin: germline.
Comment: Variant summary: FLG c.6023A>G (p.His2008Arg) results in a non-conservative amino acid change in the encoded protein sequence. Three of four in-silico tools predict a benign effect of the variant on protein function. The variant allele was found at a frequency of 1.2e-05 in 251488 control chromosomes. The available data on variant occurrences in the general population are insufficient to allow any conclusion about variant significance. To our knowledge, no occurrence of c.6023A>G in individuals affected with Ichthyosis Vulgaris and no experimental evidence demonstrating its impact on protein function have been reported. No submitters have cited clinical-significance assessments for this variant to ClinVar. Based on the evidence outlined above, the variant was classified as uncertain significance.